The following is an entry in ClinVar:

ClinVar aggregate classification (germline): Conflicting classifications of pathogenicity. Review status: criteria provided, conflicting classifications (1 of 4 stars). 2 submissions from 2 submitters: Likely pathogenic (1); Uncertain significance (1). Last evaluated 2026-04-01.

Conditions:
Heterotaxy, visceral, 6, autosomal (HTX6). Also called: Heterotaxy, visceral, 6, autosomal recessive. Identifiers: Orphanet 450, MedGen C3553676, MONDO:0013887, OMIM 614779.
Primary ciliary dyskinesia. Also called: Ciliary dyskinesia. Identifiers: Orphanet 244, MedGen C0008780, MONDO:0016575, HP:0012265.

Allele frequency attached by ClinVar (database versions not stated): gnomAD 0.00003; TOPMed 0.00003; 1000 Genomes Project 30x 0.00016; 1000 Genomes Project 0.00020.
gnomAD v4.1: 61 of 1,614,100 alleles (0.0038%); highest among the groups gnomAD compares: Middle Eastern, 0.016%; 1 homozygote.

Submissions (2):

Department of Human Genetics, Hannover Medical School
Classification: Likely pathogenic for Primary Ciliary Dyskinesia. Last evaluated: 2026-04-01. Review status: criteria provided, single submitter. Criteria: ACMG Guidelines, 2015. Collection method: research. Allele origin: germline. Affected: no.
Comment: Classification performed by HerediClassify using the following criteria:['PM2_supporting: Variant occures does not occur as homozygous in gnomAD.', 'PVS1_protein_moderate: Transcript ENST00000398545 is not predicted to undergo NMD. Protein length change of 0.08560311284046696 observed.', "PP4_supporting: The PICADAR socre of 5.0 exceeds threshold of 5 achieving 'supporting' evidence strength."]

Baylor Genetics
Classification: Uncertain significance for Heterotaxy, visceral, 6, autosomal. Last evaluated: 2020-05-05. Review status: criteria provided, single submitter. Criteria: ACMG Guidelines, 2015. Collection method: clinical testing. Allele origin: unknown. Affected: yes.
Comment: This variant was determined to be of uncertain significance according to ACMG Guidelines, 2015 [PMID:25741868].

NM_145020.5(CFAP53):c.1411C>T (p.Arg471Ter)

Gene: CFAP53 (cilia and flagella associated protein 53; minus strand). Cytogenetic location: 18q21.1.
Variant type: single nucleotide variant.
Coding change: c.1411C>T on transcript NM_145020.5 (MANE Select); coding-DNA position 1411, C replaced by T.
Protein change: p.Arg471Ter; replaces arginine 471 with a stop codon.
Molecular consequence: nonsense.
Genome position (GRCh38, 1-based): chr18:50,227,515, G>A on the plus strand (C>T on the coding strand, the complement: CFAP53 is on the minus strand). VCF-style: chr18-50227515-G-A. GRCh37 (hg19) VCF-style: chr18-47753885-G-A.
Other names: short protein forms R471*.
Identifiers: ClinVar variation 1030233 (VCV001030233.2), dbSNP rs202140882, ClinGen allele CA8962104.